The following is an entry in ClinVar:

NM_015295.3(SMCHD1):c.2822T>C (p.Ile941Thr)

Gene: SMCHD1 (structural maintenance of chromosomes flexible hinge domain containing 1; plus strand). Cytogenetic location: 18p11.32.
Variant type: single nucleotide variant.
Coding change: c.2822T>C on transcript NM_015295.3 (MANE Select); coding-DNA position 2822, T replaced by C.
Protein change: p.Ile941Thr; replaces isoleucine 941 with threonine.
Molecular consequence: missense variant.
Genome position (GRCh38, 1-based): chr18:2,728,505, T>C. VCF-style: chr18-2728505-T-C. GRCh37 (hg19) VCF-style: chr18-2728503-T-C.
Other names: short protein forms I941T.
Identifiers: ClinVar variation 2436152 (VCV002436152.5), dbSNP rs749192798, ClinGen allele CA8871070.

ClinVar aggregate classification (germline): Uncertain significance. Review status: criteria provided, multiple submitters, no conflicts (2 of 4 stars). 2 submissions from 2 submitters: Uncertain significance (2). Last evaluated 2024-10-13.

Conditions:
Facioscapulohumeral muscular dystrophy 2 (FSHD2). Also called: FACIOSCAPULOHUMERAL MUSCULAR DYSTROPHY 2, DIGENIC; FSHD2, DIGENIC; MUSCULAR DYSTROPHY, FACIOSCAPULOHUMERAL, TYPE 1B. Identifiers: Orphanet 269, MedGen C1834671, MONDO:0008031, OMIM 158901.

Allele frequency attached by ClinVar (database versions not stated): ExAC 0.00001; gnomAD 0.00001; TOPMed 0.00001.

Submissions (2):

Labcorp Genetics (formerly Invitae), Labcorp
Classification: Uncertain significance for Facioscapulohumeral muscular dystrophy 2. Last evaluated: 2024-10-13. Review status: criteria provided, single submitter. Criteria: Invitae Variant Classification Sherloc (09022015). Collection method: clinical testing. Allele origin: germline.
Comment: This sequence change replaces isoleucine, which is neutral and non-polar, with threonine, which is neutral and polar, at codon 941 of the SMCHD1 protein (p.Ile941Thr). This variant is present in population databases (rs749192798, gnomAD 0.0009%). This variant has not been reported in the literature in individuals affected with SMCHD1-related conditions. ClinVar contains an entry for this variant (Variation ID: 2436152). Invitae Evidence Modeling of protein sequence and biophysical properties (such as structural, functional, and spatial information, amino acid conservation, physicochemical variation, residue mobility, and thermodynamic stability) indicates that this missense variant is not expected to disrupt SMCHD1 protein function with a negative predictive value of 80%. In summary, the available evidence is currently insufficient to determine the role of this variant in disease. Therefore, it has been classified as a Variant of Uncertain Significance.

Revvity Omics, Revvity
Classification: Uncertain significance. Last evaluated: 2022-11-28. Review status: criteria provided, single submitter. Criteria: ACMG Guidelines, 2015. Collection method: clinical testing. Allele origin: germline.